The following is an entry in ClinVar:

ClinVar aggregate classification (germline): Uncertain significance (1 of 4 stars; one submission).

Conditions:
Hereditary cancer-predisposing syndrome. Also called: Neoplastic Syndromes, Hereditary; Tumor predisposition; Hereditary neoplastic syndrome; Hereditary Cancer Syndrome. Identifiers: Orphanet 140162, MedGen C0027672, MeSH D009386, MONDO:0015356.
Cardiovascular phenotype. Identifiers: MedGen CN230736.

Submission:

Ambry Genetics
Classification: Uncertain significance for Cardiovascular phenotype; Hereditary cancer-predisposing syndrome. Last evaluated: 2023-04-24. Review status: criteria provided, single submitter. Criteria: Ambry Variant Classification Scheme 2023. Collection method: clinical testing. Allele origin: germline.
Comment: The c.1943-5C>G intronic variant results from a C to G substitution 5 nucleotides upstream from coding exon 17 in the LZTR1 gene. This nucleotide position is not well conserved in available vertebrate species. In silico splice site analysis for this alteration is inconclusive; however, direct evidence is insufficient at this time (Ambry internal data). Since supporting evidence is limited at this time, the clinical significance of this alteration remains unclear.

NM_006767.4(LZTR1):c.1943-5C>G

Gene: LZTR1 (leucine zipper like post translational regulator 1; plus strand). Cytogenetic location: 22q11.21.
Variant type: single nucleotide variant.
Coding change: c.1943-5C>G on transcript NM_006767.4 (MANE Select); 5 bases into the intron before coding-DNA position 1943, C replaced by G.
Molecular consequence: intron variant.
Genome position (GRCh38, 1-based): chr22:20,995,741, C>G. VCF-style: chr22-20995741-C-G. GRCh37 (hg19) VCF-style: chr22-21350030-C-G.
Identifiers: ClinVar variation 3238178 (VCV003238178.1), dbSNP rs781265937.